The following is an entry in ClinVar:

ClinVar aggregate classification (germline): Uncertain significance (1 of 4 stars; one submission).

Conditions:
Emery-Dreifuss muscular dystrophy 5, autosomal dominant (EDMD5). Also called: EMERY-DREIFUSS MUSCULAR DYSTROPHY 5. Identifiers: Orphanet 261, MedGen C2751805, MONDO:0013072, OMIM 612999.

Allele frequency attached by ClinVar (database versions not stated): gnomAD 0.00001; gnomAD exomes 0.00001.
gnomAD v4.1: 14 of 1,614,028 alleles (0.00087%); highest among the groups gnomAD compares: South Asian, 0.0066%; 1 homozygote.

Submission:

Labcorp Genetics (formerly Invitae), Labcorp
Classification: Uncertain significance for Emery-Dreifuss muscular dystrophy 5, autosomal dominant. Last evaluated: 2023-03-13. Review status: criteria provided, single submitter. Criteria: Invitae Variant Classification Sherloc (09022015). Collection method: clinical testing. Allele origin: germline.
Comment: In summary, the available evidence is currently insufficient to determine the role of this variant in disease. Therefore, it has been classified as a Variant of Uncertain Significance. Algorithms developed to predict the effect of missense changes on protein structure and function output the following: SIFT: "Not Available"; PolyPhen-2: "Benign"; Align-GVGD: "Not Available". The aspartic acid amino acid residue is found in multiple mammalian species, which suggests that this missense change does not adversely affect protein function. This variant has not been reported in the literature in individuals affected with SYNE2-related conditions. This variant is present in population databases (no rsID available, gnomAD 0.003%). This sequence change replaces asparagine, which is neutral and polar, with aspartic acid, which is acidic and polar, at codon 3971 of the SYNE2 protein (p.Asn3971Asp).

NM_182914.3(SYNE2):c.11911A>G (p.Asn3971Asp)

Gene: SYNE2 (spectrin repeat containing nuclear envelope protein 2; plus strand). Cytogenetic location: 14q23.2.
Variant type: single nucleotide variant.
Coding change: c.11911A>G on transcript NM_182914.3 (MANE Select); coding-DNA position 11911, A replaced by G.
Protein change: p.Asn3971Asp; replaces asparagine 3971 with aspartic acid.
Molecular consequence: missense variant.
Genome position (GRCh38, 1-based): chr14:64,090,983, A>G. VCF-style: chr14-64090983-A-G. GRCh37 (hg19) VCF-style: chr14-64557701-A-G.
Other names: c.11911A>G, p.Asn3971Asp (NM_015180.6); short protein forms N3971D.
Identifiers: ClinVar variation 2907986 (VCV002907986.3), dbSNP rs1422076069, ClinGen allele CA389949094.